The following is an entry in ClinVar:

NM_138927.4(SON):c.2312T>G (p.Met771Arg)

Gene: SON (SON DNA and RNA binding protein; plus strand). Cytogenetic location: 21q22.11.
Variant type: single nucleotide variant.
Coding change: c.2312T>G on transcript NM_138927.4 (MANE Select); coding-DNA position 2312, T replaced by G.
Protein change: p.Met771Arg; replaces methionine 771 with arginine.
Molecular consequence: missense variant. On other transcripts: non-coding transcript variant (1), intron variant (1).
Genome position (GRCh38, 1-based): chr21:33,551,543, T>G. VCF-style: chr21-33551543-T-G. GRCh37 (hg19) VCF-style: chr21-34923849-T-G.
Other names: c.2312T>G, p.Met771Arg (NM_001291411.2, NM_032195.3); c.244+5164T>G (NM_001291412.3); short protein forms M771R.
Identifiers: ClinVar variation 3367290 (VCV003367290.1).

ClinVar aggregate classification (germline): Uncertain significance (1 of 4 stars; one submission).

gnomAD v4.1: 1 of 1,613,962 alleles (0.000062%); highest among the groups gnomAD compares: Non-Finnish European, 0.000085%; no homozygotes.

Submission:

GeneDx
Classification: Uncertain significance. Last evaluated: 2023-12-28. Review status: criteria provided, single submitter. Criteria: GeneDx Variant Classification Process June 2021. Collection method: clinical testing. Allele origin: germline. Affected: yes.
Comment: Not observed at significant frequency in large population cohorts (gnomAD); In silico analysis supports that this missense variant has a deleterious effect on protein structure/function; Has not been previously published as pathogenic or benign to our knowledge